The following is an entry in ClinVar:

ClinVar aggregate classification (germline): Uncertain significance (1 of 4 stars; one submission).

Conditions:
Camptomelic dysplasia (CMPD). Also called: CMPD1/SRA1; Campomelic Dysplasia. Identifiers: Orphanet 140, MedGen C1861922, MONDO:0007251, OMIM 114290.

Submission:

Labcorp Genetics (formerly Invitae), Labcorp
Classification: Uncertain significance for Camptomelic dysplasia. Last evaluated: 2024-11-11. Review status: criteria provided, single submitter. Criteria: Invitae Variant Classification Sherloc (09022015). Collection method: clinical testing. Allele origin: germline.
Comment: This sequence change replaces aspartic acid, which is acidic and polar, with tyrosine, which is neutral and polar, at codon 168 of the SOX9 protein (p.Asp168Tyr). This variant is not present in population databases (gnomAD no frequency). This variant has not been reported in the literature in individuals affected with SOX9-related conditions. ClinVar contains an entry for this variant (Variation ID: 1383539). Invitae Evidence Modeling of protein sequence and biophysical properties (such as structural, functional, and spatial information, amino acid conservation, physicochemical variation, residue mobility, and thermodynamic stability) indicates that this missense variant is expected to disrupt SOX9 protein function with a positive predictive value of 95%. In summary, the available evidence is currently insufficient to determine the role of this variant in disease. Therefore, it has been classified as a Variant of Uncertain Significance.

NM_000346.4(SOX9):c.502G>T (p.Asp168Tyr)

Gene: SOX9 (SRY-box transcription factor 9; plus strand). Cytogenetic location: 17q24.3.
Variant type: single nucleotide variant.
Coding change: c.502G>T on transcript NM_000346.4 (MANE Select); coding-DNA position 502, G replaced by T.
Protein change: p.Asp168Tyr; replaces aspartic acid 168 with tyrosine.
Molecular consequence: missense variant.
Genome position (GRCh38, 1-based): chr17:72,122,789, G>T. VCF-style: chr17-72122789-G-T. GRCh37 (hg19) VCF-style: chr17-70118930-G-T.
Other names: short protein forms D168Y.
Identifiers: ClinVar variation 1383539 (VCV001383539.8), dbSNP rs2143245759, ClinGen allele CA400866437.